The following is an entry in ClinVar:

NM_006904.7(PRKDC):c.2855G>A (p.Gly952Glu)

Gene: PRKDC (protein kinase, DNA-activated, catalytic subunit; minus strand). Cytogenetic location: 8q11.21.
Variant type: single nucleotide variant.
Coding change: c.2855G>A on transcript NM_006904.7 (MANE Select); coding-DNA position 2855, G replaced by A.
Protein change: p.Gly952Glu; replaces glycine 952 with glutamic acid.
Molecular consequence: missense variant.
Genome position (GRCh38, 1-based): chr8:47,912,489, C>T on the plus strand (G>A on the coding strand, the complement: PRKDC is on the minus strand). VCF-style: chr8-47912489-C-T. GRCh37 (hg19) VCF-style: chr8-48825049-C-T.
Other names: c.2855G>A, p.Gly952Glu (NM_001081640.2); short protein forms G952E.
Identifiers: ClinVar variation 1796884 (VCV001796884.2), dbSNP rs769220957, ClinGen allele CA4741349.

ClinVar aggregate classification (germline): Uncertain significance (1 of 4 stars; one submission).

Allele frequency attached by ClinVar (database versions not stated): ExAC 0.00001; gnomAD 0.00001; gnomAD exomes 0.00001.
gnomAD v4.1: 6 of 1,612,554 alleles (0.00037%); highest among the groups gnomAD compares: Non-Finnish European, 0.00051%; no homozygotes.

Submission:

Ambry Genetics
Classification: Uncertain significance. Last evaluated: 2022-03-12. Review status: criteria provided, single submitter. Criteria: Ambry Variant Classification Scheme 2023. Collection method: clinical testing. Allele origin: germline.
Comment: The p.G952E variant (also known as c.2855G>A), located in coding exon 25 of the PRKDC gene, results from a G to A substitution at nucleotide position 2855. The glycine at codon 952 is replaced by glutamic acid, an amino acid with similar properties. This amino acid position is conserved. In addition, this alteration is predicted to be tolerated by in silico analysis. Since supporting evidence is limited at this time, the clinical significance of this alteration remains unclear.